The following is an entry in ClinVar:

NM_020708.5(SLC12A5):c.147G>A (p.Glu49=)

Gene: SLC12A5 (solute carrier family 12 member 5; plus strand). Cytogenetic location: 20q13.12.
Variant type: single nucleotide variant.
Coding change: c.147G>A on transcript NM_020708.5 (MANE Select); coding-DNA position 147, G replaced by A.
Protein change: p.Glu49=; no amino-acid change (glutamic acid 49 retained).
Molecular consequence: synonymous variant.
Genome position (GRCh38, 1-based): chr20:46,035,042, G>A. VCF-style: chr20-46035042-G-A. GRCh37 (hg19) VCF-style: chr20-44663681-G-A.
Other names: c.216G>A, p.Glu72= (NM_001134771.2).
Identifiers: ClinVar variation 953187 (VCV000953187.8), dbSNP rs2084484862, ClinGen allele CA510642266.

ClinVar aggregate classification (germline): Uncertain significance (1 of 4 stars; one submission).

Conditions:
Developmental and epileptic encephalopathy, 34 (DEE34). Also called: Early infantile epileptic encephalopathy 34; SLC12A5-Related Epilepsy of Infancy with Migrating Focal Seizures. Identifiers: Orphanet 293181, MedGen C4225257, MONDO:0014718, OMIM 616645.

Submission:

Labcorp Genetics (formerly Invitae), Labcorp
Classification: Uncertain significance for Developmental and epileptic encephalopathy, 34. Last evaluated: 2019-07-31. Review status: criteria provided, single submitter. Criteria: Invitae Variant Classification Sherloc (09022015). Collection method: clinical testing. Allele origin: germline.
Comment: This variant has not been reported in the literature in individuals with SLC12A5-related conditions. Nucleotide substitutions within the consensus splice site are a relatively common cause of aberrant splicing (PMID: 17576681, 9536098). Algorithms developed to predict the effect of sequence changes on RNA splicing suggest that this variant may disrupt the consensus splice site, but this prediction has not been confirmed by published transcriptional studies. In summary, the available evidence is currently insufficient to determine the role of this variant in disease. Therefore, it has been classified as a Variant of Uncertain Significance. This sequence change affects codon 49 of the SLC12A5 mRNA. It is a 'silent' change, meaning that it does not change the encoded amino acid sequence of the SLC12A5 protein. This variant also falls at the last nucleotide of exon 2 of the SLC12A5 coding sequence, which is part of the consensus splice site for this exon. This variant is not present in population databases (ExAC no frequency).

Literature cited by the submitters: PubMed 17576681; PubMed 9536098.